The following is an entry in ClinVar:

ClinVar aggregate classification (germline): Benign. Review status: criteria provided, multiple submitters, no conflicts (2 of 4 stars). 5 submissions from 5 submitters: Benign (5). Last evaluated 2026-09-01.

Allele frequency attached by ClinVar (database versions not stated): TOPMed 0.00635; ESP Exome Variant Server 0.00883; 1000 Genomes Project 30x 0.00281; 1000 Genomes Project 0.00300; gnomAD 0.00722 and 0.00741; gnomAD exomes 0.00767; ExAC 0.00794.
gnomAD v4.1: 15,230 of 1,613,770 alleles (0.94%); highest among the groups gnomAD compares: Non-Finnish European, 1.1%; 93 homozygotes.

Submissions (5):

CeGaT Center for Human Genetics Tuebingen
Classification: Benign. Last evaluated: 2026-09-01. Review status: criteria provided, single submitter. Criteria: CeGaT Center For Human Genetics Tuebingen Variant Classification Criteria Version 2. Collection method: clinical testing. Allele origin: germline. Affected: yes. Observed: 16 variant alleles.
Comment: PCDH15: BP4, BS1, BS2

Labcorp Genetics (formerly Invitae), Labcorp
Classification: Benign. Last evaluated: 2024-04-02. Review status: criteria provided, single submitter. Criteria: Invitae Variant Classification Sherloc (09022015). Collection method: clinical testing. Allele origin: germline.

Athena Diagnostics
Classification: Benign. Last evaluated: 2018-11-16. Review status: criteria provided, single submitter. Criteria: Athena Diagnostics Criteria. Collection method: clinical testing. Allele origin: germline.

Laboratory for Molecular Medicine, Mass General Brigham Personalized Medicine
Classification: Benign. Last evaluated: 2012-04-30. Review status: criteria provided, single submitter. Criteria: LMM Criteria. Collection method: clinical testing. Allele origin: germline. Observed: 14 variant alleles.
Comment: Val1508Met in Exon 35B of PCDH15: This variant is not expected to have clinical significance because it has been identified in 1.2% (63/5446) of European Americ an chromosomes from a broad population by the NHLBI Exome Sequencing Project (dbSNP rs41274622).

Breakthrough Genomics
Classification: Benign. Review status: criteria provided, single submitter. Criteria: ACMG Guidelines, 2015. Collection method: not provided. Allele origin: germline. Inheritance: Autosomal recessive inheritance. Affected: yes.

NM_001384140.1(PCDH15):c.4640G>A (p.Gly1547Asp)

Gene: PCDH15 (protocadherin related 15; minus strand). Cytogenetic location: 10q21.1.
Variant type: single nucleotide variant.
Coding change: c.4640G>A on transcript NM_001384140.1 (MANE Select); coding-DNA position 4640, G replaced by A.
Protein change: p.Gly1547Asp; replaces glycine 1547 with aspartic acid.
Molecular consequence: missense variant.
Genome position (GRCh38, 1-based): chr10:53,810,587, C>T on the plus strand (G>A on the coding strand, the complement: PCDH15 is on the minus strand). VCF-style: chr10-53810587-C-T. GRCh37 (hg19) VCF-style: chr10-55570347-C-T.
Other names: c.4487G>A, p.Gly1496Asp (NM_001142769.4); c.4522G>A, p.Val1508Met (NM_001142770.3); c.4466G>A, p.Gly1489Asp (NM_001142771.2, NM_001354411.2); c.4451G>A, p.Gly1484Asp (NM_001142772.2); c.4445G>A, p.Gly1482Asp (NM_001354420.2); c.4574G>A, p.Gly1525Asp (NM_001354429.2); short protein forms V1508M, G1484D, G1489D, G1482D, G1496D, G1525D, G1547D.
Identifiers: ClinVar variation 227001 (VCV000227001.39), dbSNP rs41274622, ClinGen allele CA5504881.